The following is an entry in ClinVar:

NM_021076.4(NEFH):c.902C>T (p.Ser301Leu)

Gene: NEFH (neurofilament heavy chain; plus strand). Cytogenetic location: 22q12.2.
Variant type: single nucleotide variant.
Coding change: c.902C>T on transcript NM_021076.4 (MANE Select); coding-DNA position 902, C replaced by T.
Protein change: p.Ser301Leu; replaces serine 301 with leucine.
Molecular consequence: missense variant.
Genome position (GRCh38, 1-based): chr22:29,483,393, C>T. VCF-style: chr22-29483393-C-T. GRCh37 (hg19) VCF-style: chr22-29879382-C-T.
Other names: c.902C>T (NM_021076.3); short protein forms S301L.
Identifiers: ClinVar variation 1899363 (VCV001899363.6), dbSNP rs770564187, ClinGen allele CA10174061.

ClinVar aggregate classification (germline): Uncertain significance. Review status: criteria provided, multiple submitters, no conflicts (2 of 4 stars). 2 submissions from 2 submitters: Uncertain significance (2). Last evaluated 2024-09-17.

Conditions:
NEFH-related disorder. Also called: NEFH-related condition.

Allele frequency attached by ClinVar (database versions not stated): gnomAD 0.00001; gnomAD exomes 0.00003; TOPMed 0.00006; ExAC 0.00019.
gnomAD v4.1: 53 of 1,613,644 alleles (0.0033%); highest among the groups gnomAD compares: Middle Eastern, 0.016%; no homozygotes.

Submissions (2):

Labcorp Genetics (formerly Invitae), Labcorp
Classification: Uncertain significance. Last evaluated: 2024-09-17. Review status: criteria provided, single submitter. Criteria: Invitae Variant Classification Sherloc (09022015). Collection method: clinical testing. Allele origin: germline.
Comment: This sequence change replaces serine, which is neutral and polar, with leucine, which is neutral and non-polar, at codon 301 of the NEFH protein (p.Ser301Leu). This variant is present in population databases (rs770564187, gnomAD 0.02%). This variant has not been reported in the literature in individuals affected with NEFH-related conditions. ClinVar contains an entry for this variant (Variation ID: 1899363). Invitae Evidence Modeling of protein sequence and biophysical properties (such as structural, functional, and spatial information, amino acid conservation, physicochemical variation, residue mobility, and thermodynamic stability) indicates that this missense variant is not expected to disrupt NEFH protein function with a negative predictive value of 95%. In summary, the available evidence is currently insufficient to determine the role of this variant in disease. Therefore, it has been classified as a Variant of Uncertain Significance.

PreventionGenetics, part of Exact Sciences
Classification: Uncertain significance for NEFH-related condition. Last evaluated: 2023-06-14. Review status: criteria provided, single submitter. Criteria: ACMG Guidelines, 2015. Collection method: clinical testing. Allele origin: germline.
Comment: The NEFH c.902C>T variant is predicted to result in the amino acid substitution p.Ser301Leu. To our knowledge, this variant has not been reported in the literature. This variant is reported in 0.020% of alleles in individuals of Latino descent in gnomAD. Although we suspect that this variant may be benign, at this time, the clinical significance of this variant is uncertain due to the absence of conclusive functional and genetic evidence.